The following is an entry in ClinVar:

NM_002336.3(LRP6):c.4719C>A (p.Pro1573=)

Gene: LRP6 (LDL receptor related protein 6; minus strand). Cytogenetic location: 12p13.2.
Variant type: single nucleotide variant.
Coding change: c.4719C>A on transcript NM_002336.3 (MANE Select); coding-DNA position 4719, C replaced by A.
Protein change: p.Pro1573=; no amino-acid change (proline 1573 retained).
Molecular consequence: synonymous variant. On other transcripts: 3 prime UTR variant (1), non-coding transcript variant (1).
Genome position (GRCh38, 1-based): chr12:12,121,249, G>T on the plus strand (C>A on the coding strand, the complement: LRP6 is on the minus strand). VCF-style: chr12-12121249-G-T. GRCh37 (hg19) VCF-style: chr12-12274183-G-T.
Other names: p.Pro1573=; c.4812C>A, p.Pro1604= (NM_001414244.1); c.4719C>A, p.Pro1573= (NM_001414245.1); c.4584C>A, p.Pro1528= (NM_001414246.1); c.4521C>A, p.Pro1507= (NM_001414247.1); c.*195C>A (NM_001414248.1); c.4356C>A, p.Pro1452= (NM_001414251.1); c.4266C>A, p.Pro1422= (NM_001414252.1, NM_001414253.1, NM_001414254.1); and 1 more.
Identifiers: ClinVar variation 3694206 (VCV003694206.3).

ClinVar aggregate classification (germline): Likely benign. Review status: criteria provided, multiple submitters, no conflicts (2 of 4 stars). 2 submissions from 2 submitters: Likely benign (2). Last evaluated 2025-07-23.

gnomAD v4.1: 4 of 1,614,126 alleles (0.00025%); highest among the groups gnomAD compares: Non-Finnish European, 0.00034%; no homozygotes.

Submissions (2):

Mayo Clinic Laboratories, Mayo Clinic
Classification: Likely benign. Last evaluated: 2025-07-23. Review status: criteria provided, single submitter. Criteria: ACMG Guidelines, 2015. Collection method: clinical testing. Allele origin: germline. Observed: 1 variant allele.
Comment: BP4, BP7, PM2_supporting

Labcorp Genetics (formerly Invitae), Labcorp
Classification: Likely benign. Last evaluated: 2024-07-24. Review status: criteria provided, single submitter. Criteria: Invitae Variant Classification Sherloc (09022015). Collection method: clinical testing. Allele origin: germline.